The following is an entry in ClinVar:

NM_001267550.2(TTN):c.21403+12G>C

Genes: TTN (titin; minus strand), LOC126806428 (BRD4-independent group 4 enhancer GRCh37_chr2:179588362-179589561; plus strand). Cytogenetic location: 2q31.2.
Variant type: single nucleotide variant.
Coding change: c.21403+12G>C on transcript NM_001267550.2 (MANE Select); 12 bases into the intron after coding-DNA position 21403, G replaced by C.
Molecular consequence: intron variant.
Genome position (GRCh38, 1-based): chr2:178,723,844, C>G on the plus strand (G>C on the coding strand, the complement: TTN is on the minus strand). VCF-style: chr2-178723844-C-G. GRCh37 (hg19) VCF-style: chr2-179588571-C-G.
Other names: c.13282+14238G>C (NM_003319.4); c.13858+14238G>C (NM_133437.4); c.13657+14238G>C (NM_133432.3); c.17671+12G>C (NM_133378.4); c.20452+12G>C (NM_001256850.1).
Identifiers: ClinVar variation 668406 (VCV000668406.1), dbSNP rs1578050068, ClinGen allele CA430288806.

ClinVar aggregate classification (germline): Likely benign (1 of 4 stars; one submission).

Submission:

GeneDx
Classification: Likely benign. Last evaluated: 2018-05-09. Review status: criteria provided, single submitter. Criteria: GeneDx Variant Classification (06012015). Collection method: clinical testing. Allele origin: germline. Affected: yes.
Comment: This variant is considered likely benign or benign based on one or more of the following criteria: it is a conservative change, it occurs at a poorly conserved position in the protein, it is predicted to be benign by multiple in silico algorithms, and/or has population frequency not consistent with disease.